The following is an entry in ClinVar:

ClinVar aggregate classification (germline): Conflicting classifications of pathogenicity. Review status: criteria provided, conflicting classifications (1 of 4 stars). 4 submissions from 4 submitters: Uncertain significance (1); Likely benign (2). 1 of the submissions does not count toward it. Last evaluated 2026-01-24.

Conditions:
PLVAP-related disorder. Also called: PLVAP-related condition.

Allele frequency attached by ClinVar (database versions not stated): 1000 Genomes Project 0.00140; 1000 Genomes Project 30x 0.00141; ExAC 0.00192; TOPMed 0.00212; gnomAD 0.00216; ESP Exome Variant Server 0.00254.
gnomAD v4.1: 4,723 of 1,613,444 alleles (0.29%); highest among the groups gnomAD compares: Non-Finnish European, 0.36%; 13 homozygotes.

Submissions (4):

Labcorp Genetics (formerly Invitae), Labcorp
Classification: Likely benign. Last evaluated: 2026-01-24. Review status: criteria provided, single submitter. Criteria: Invitae Variant Classification Sherloc (09022015). Collection method: clinical testing. Allele origin: germline.

CeGaT Center for Human Genetics Tuebingen
Classification: Likely benign. Last evaluated: 2025-07-01. Review status: criteria provided, single submitter. Criteria: CeGaT Center For Human Genetics Tuebingen Variant Classification Criteria Version 2. Collection method: clinical testing. Allele origin: germline. Affected: yes. Observed: 2 variant alleles.
Comment: PLVAP: BP4

GeneDx
Classification: Uncertain significance. Last evaluated: 2023-07-18. Review status: criteria provided, single submitter. Criteria: GeneDx Variant Classification Process June 2021. Collection method: clinical testing. Allele origin: germline. Affected: yes.
Comment: In silico analysis supports that this missense variant has a deleterious effect on protein structure/function; Has not been previously published as pathogenic or benign to our knowledge

PreventionGenetics, part of Exact Sciences
Classification: Likely benign for PLVAP-related condition. Last evaluated: 2020-09-30. Review status: no assertion criteria provided. Collection method: clinical testing. Allele origin: germline. Not counted in ClinVar's aggregate classification.
Comment: This variant is classified as likely benign based on ACMG/AMP sequence variant interpretation guidelines (Richards et al. 2015 PMID: 25741868, with internal and published modifications).

NM_031310.3(PLVAP):c.1121A>C (p.Gln374Pro)

Gene: PLVAP (plasmalemma vesicle associated protein; minus strand). Cytogenetic location: 19p13.11.
Variant type: single nucleotide variant.
Coding change: c.1121A>C on transcript NM_031310.3 (MANE Select); coding-DNA position 1121, A replaced by C.
Protein change: p.Gln374Pro; replaces glutamine 374 with proline.
Molecular consequence: missense variant.
Genome position (GRCh38, 1-based): chr19:17,365,344, T>G on the plus strand (A>C on the coding strand, the complement: PLVAP is on the minus strand). VCF-style: chr19-17365344-T-G. GRCh37 (hg19) VCF-style: chr19-17476153-T-G.
Other names: c.1121A>C (NM_031310.2); short protein forms Q374P.
Identifiers: ClinVar variation 2044044 (VCV002044044.30), dbSNP rs142500391, ClinGen allele CA9293876.
Genomic context (GRCh38, chr19:17,365,344, plus strand): 5'-ACCTTGGTCTTGATGCAGGTGTCCAGGGCTGAGTTTCTGATGGCCAGCTCCATCCTGAGC[T>G]GCTCCGCCTCCCTCTTCTTCTCTTCCAGCTCCTTGGCCAGGTTGTCTCGTTCCTTCCGCA-3'
Protein context (NP_112600.1, residues 364-384): ELEEKKREAE[Gln374Pro]LRMELAIRNS